The following is an entry in ClinVar:

ClinVar aggregate classification (germline): Uncertain significance (1 of 4 stars; one submission).

Allele frequency attached by ClinVar (database versions not stated): gnomAD 0.00003 and 0.00004; gnomAD exomes 0.00003 and 0.00004; TOPMed 0.00004; ExAC 0.00005; ESP Exome Variant Server 0.00015.

Submission:

Labcorp Genetics (formerly Invitae), Labcorp
Classification: Uncertain significance. Last evaluated: 2022-10-29. Review status: criteria provided, single submitter. Criteria: Invitae Variant Classification Sherloc (09022015). Collection method: clinical testing. Allele origin: germline.
Comment: This sequence change replaces aspartic acid, which is acidic and polar, with asparagine, which is neutral and polar, at codon 182 of the GDF5 protein (p.Asp182Asn). This variant is present in population databases (rs149472313, gnomAD 0.005%). This variant has not been reported in the literature in individuals affected with GDF5-related conditions. ClinVar contains an entry for this variant (Variation ID: 1016499). Advanced modeling of protein sequence and biophysical properties (such as structural, functional, and spatial information, amino acid conservation, physicochemical variation, residue mobility, and thermodynamic stability) performed at Invitae indicates that this missense variant is not expected to disrupt GDF5 protein function. In summary, the available evidence is currently insufficient to determine the role of this variant in disease. Therefore, it has been classified as a Variant of Uncertain Significance.

NM_000557.5(GDF5):c.544G>A (p.Asp182Asn)

Gene: GDF5 (growth differentiation factor 5; minus strand). Cytogenetic location: 20q11.22.
Variant type: single nucleotide variant.
Coding change: c.544G>A on transcript NM_000557.5 (MANE Select); coding-DNA position 544, G replaced by A.
Protein change: p.Asp182Asn; replaces aspartic acid 182 with asparagine.
Molecular consequence: missense variant.
Genome position (GRCh38, 1-based): chr20:35,437,385, C>T on the plus strand (G>A on the coding strand, the complement: GDF5 is on the minus strand). VCF-style: chr20-35437385-C-T. GRCh37 (hg19) VCF-style: chr20-34025165-C-T.
Other names: c.544G>A, p.Asp182Asn (NM_001319138.2); short protein forms D182N.
Identifiers: ClinVar variation 1016499 (VCV001016499.6), dbSNP rs149472313, ClinGen allele CA9832320.
Genomic context (GRCh38, chr20:35,437,385, plus strand): 5'-TGGTGTTGGCCAGGCCAGCCTCCAACTTCACGCTGCTGTTGCCTCCCTTTCTGTCAGCAT[C>T]GGACAGCGTCCTGTACAGCGAGAGCATGTACTCGTGGGGTGTGATGGGGGGTGGGCGAAA-3'
Protein context (NP_000548.2, residues 172-192): YMLSLYRTLS[Asp182Asn]ADRKGGNSSV